The following is an entry in ClinVar:

ClinVar aggregate classification (germline): Benign/Likely benign. Review status: criteria provided, multiple submitters, no conflicts (2 of 4 stars). 4 submissions from 4 submitters: Benign (1); Likely benign (3). Last evaluated 2024-09-10.

Conditions:
CDH1-related diffuse gastric and lobular breast cancer syndrome. Also called: CDH1-related diffuse gastric and lobular breast cancer. Identifiers: MedGen CN311521, MONDO:0100488.
Hereditary diffuse gastric adenocarcinoma (HDGC). Also called: DIFFUSE GASTRIC AND LOBULAR BREAST CANCER SYNDROME. Identifiers: Orphanet 26106, MedGen C1708349, MONDO:0007648, OMIM 137215.

gnomAD v4.1: 1 of 1,535,522 alleles (0.000065%); highest among the groups gnomAD compares: Non-Finnish European, 0.000087%; no homozygotes.

Submissions (4):

Myriad Genetics, Inc.
Classification: Benign for Hereditary diffuse gastric adenocarcinoma. Last evaluated: 2024-09-10. Review status: criteria provided, single submitter. Criteria: Myriad Autosomal Dominant, Autosomal Recessive and X-Linked Classification Criteria (2023). Collection method: clinical testing. Allele origin: unknown.
Comment: This variant is considered benign. This variant is a silent/synonymous amino acid change and it is not expected to impact splicing.

Department of Pathology and Laboratory Medicine, Sinai Health System
Classification: Likely benign for CDH1-related diffuse gastric and lobular breast cancer syndrome. Last evaluated: 2022-11-14. Review status: criteria provided, single submitter. Criteria: ACMG Guidelines, 2015. Collection method: clinical testing. Allele origin: germline. Affected: no.

Labcorp Genetics (formerly Invitae), Labcorp
Classification: Likely benign for Hereditary diffuse gastric adenocarcinoma. Last evaluated: 2021-04-14. Review status: criteria provided, single submitter. Criteria: Invitae Variant Classification Sherloc (09022015). Collection method: clinical testing. Allele origin: germline.

GeneDx
Classification: Likely benign. Last evaluated: 2015-12-09. Review status: criteria provided, single submitter. Criteria: GeneDx Variant Classification (06012015). Collection method: clinical testing. Allele origin: germline. Affected: yes.
Comment: This variant is considered likely benign or benign based on one or more of the following criteria: it is a conservative change, it occurs at a poorly conserved position in the protein, it is predicted to be benign by multiple in silico algorithms, and/or has population frequency not consistent with disease.

NM_004360.5(CDH1):c.24C>T (p.Leu8=)

Gene: CDH1 (cadherin 1; plus strand). Cytogenetic location: 16q22.1.
Variant type: single nucleotide variant.
Coding change: c.24C>T on transcript NM_004360.5 (MANE Select); coding-DNA position 24, C replaced by T.
Protein change: p.Leu8=; no amino-acid change (leucine 8 retained).
Molecular consequence: synonymous variant. On other transcripts: 5 prime UTR variant (2).
Genome position (GRCh38, 1-based): chr16:68,737,439, C>T. VCF-style: chr16-68737439-C-T. GRCh37 (hg19) VCF-style: chr16-68771342-C-T.
Other names: c.24C>T (LRG_301t1); c.24C>T, p.Leu8= (NM_001317184.2); c.-1592C>T (NM_001317185.2); c.-1796C>T (NM_001317186.2).
Identifiers: ClinVar variation 382251 (VCV000382251.11), dbSNP rs1057521296, ClinGen allele CA16607438.
Genomic context (GRCh38, chr16:68,737,439, plus strand): 5'-CCCGGCGCCTGCCCTCGCTCGGCGTCCCCGGCCAGCCATGGGCCCTTGGAGCCGCAGCCT[C>T]TCGGCGCTGCTGCTGCTGCTGCAGGTACCCCGGATCCCCTGACTTGCGAGGGACGCATTC-3'
Protein context (NP_004351.1, residues 1-18): MGPWSRS[Leu8=]SALLLLLQVS